The following is an entry in ClinVar:

NM_001267550.2(TTN):c.91478A>G (p.Glu30493Gly)

Genes: TTN (titin; minus strand), TTN-AS1 (TTN antisense RNA 1; plus strand). Cytogenetic location: 2q31.2.
Variant type: single nucleotide variant.
Coding change: c.91478A>G on transcript NM_001267550.2 (MANE Select); coding-DNA position 91478, A replaced by G.
Protein change: p.Glu30493Gly; replaces glutamic acid 30493 with glycine.
Molecular consequence: missense variant.
Genome position (GRCh38, 1-based): chr2:178,551,053, T>C on the plus strand (A>G on the coding strand, the complement: TTN is on the minus strand). VCF-style: chr2-178551053-T-C. GRCh37 (hg19) VCF-style: chr2-179415780-T-C.
Other names: c.83774A>G, p.Glu27925Gly (NM_133378.4); c.86555A>G, p.Glu28852Gly (NM_001256850.1); c.64283A>G, p.Glu21428Gly (NM_003319.4); c.64658A>G, p.Glu21553Gly (NM_133432.3); c.64859A>G, p.Glu21620Gly (NM_133437.4); short protein forms E30493G, E27925G, E21620G, E21428G, E28852G, E21553G.
Identifiers: ClinVar variation 47509 (VCV000047509.5), dbSNP rs397517754, ClinGen allele CA141218.

ClinVar aggregate classification (germline): Uncertain significance (1 of 4 stars; one submission).

Submission:

Laboratory for Molecular Medicine, Mass General Brigham Personalized Medicine
Classification: Uncertain significance. Last evaluated: 2011-12-13. Review status: criteria provided, single submitter. Criteria: LMM Criteria. Collection method: clinical testing. Allele origin: germline. Observed: 1 variant allele.
Comment: The Glu27925Gly variant (TTN) has not been previously reported nor previously id entified by our laboratory. Glutamic acid (Glu) at position 27925 is highly cons erved across evolutionarily distant species, increasing the likelihood that a ch ange may not be tolerated. Computational tools are mixed on the predicted impact to the protein (AlignGVGD = benign, SIFT = pathogenic), though the accuracy of these tools is unknown. Additional information is needed to fully assess the cli nical significance of the Glu27925Gly variant.